The following is an entry in ClinVar:

NM_003611.3(OFD1):c.1014_1015insTTTTTTTTTTTTTTTTTTTTNNNNNNNNNNTGACCTCATGATCCACCCGCCTCGGCCTCCCAAAGTGCTGGGATTACAGGCGTGAGCCACCGCGCCCGGCCATATAAAGAGTTTT (p.Glu339delinsPhePhePhePhePhePheXaaXaaXaaXaaTer)

Gene: OFD1 (OFD1 centriole and centriolar satellite protein; plus strand). Cytogenetic location: Xp22.2.
Variant type: Microsatellite.
Coding change: c.1014_1015insTTTTTTTTTTTTTTTTTTTTNNNNNNNNNNTGACCTCATGATCCACCCGCCTCGGCCTCCCAAAGTGCTGGGATTACAGGCGTGAGCCACCGCGCCCGGCCATATAAAGAGTTTT on transcript NM_003611.3 (MANE Select); coding-DNA positions 1014 to 1015, TTTTTTTTTTTTTTTTTTTTNNNNNNNNNNTGACCTCATGATCCACCCGCCTCGGCCTCCCAAAGTGCTGGGATTACAGGCGTGAGCCACCGCGCCCGGCCATATAAAGAGTTTT inserted.
Protein change: p.Glu339delinsPhePhePhePhePhePheXaaXaaXaaXaaTer.
Molecular consequence: nonsense. On other transcripts: intron variant (1).
Genome position: GRCh38: chrX:13,751,314-13,751,327. GRCh37 (hg19), VCF-style position (the base before the change): chrX:13,769,432.
Other names: c.594_595insTTTTTTTTTTTTTTTTTTTTNNNNNNNNNNTGACCTCATGATCCACCCGCCTCGGCCTCCCAAAGTGCTGGGATTACAGGCGTGAGCCACCGCGCCCGGCCATATAAAGAGTTTT, p.Glu199delinsPhePhePhePhePhePheXaaXaaXaaXaaTer (NM_001330210.2); c.935+1794_935+1795insTTTTTTTTTTTTTTTTTTTTNNNNNNNNNNTGACCTCATGATCCACCCGCCTCGGCCTCCCAAAGTGCTGGGATTACAGGCGTGAGCCACCGCGCCCGGCCATATAAAGAGTTTT (NM_001330209.2).
Identifiers: ClinVar variation 3756059 (VCV003756059.2).

ClinVar aggregate classification (germline): Uncertain significance (1 of 4 stars; one submission).

Conditions:
Joubert syndrome. Also called: CEREBELLOPARENCHYMAL DISORDER IV; JOUBERT-BOLTSHAUSER SYNDROME; Familial aplasia of the vermis. Identifiers: Orphanet 475, MedGen C5979921, MONDO:0018772.
Orofaciodigital syndrome I (OFD1). Also called: OFDS I; Papillon-Leage and Psaume Syndrome; Oral-Facial-Digital Syndrome Type I. Identifiers: Orphanet 2750, MedGen C1510460, MONDO:0010702, OMIM 311200.

Submission:

Labcorp Genetics (formerly Invitae), Labcorp
Classification: Uncertain significance for Orofaciodigital syndrome I; Joubert syndrome. Last evaluated: 2024-04-25. Review status: criteria provided, single submitter. Criteria: Invitae Variant Classification Sherloc (09022015). Collection method: clinical testing. Allele origin: germline.
Comment: This sequence change inserts a large fragment of DNA, likely a transposable element, in exon 10 of the OFD1 gene (c.1014_1015ins?), causing a frameshift at codon 339 (p.Glu339fs). The exact size and sequence of the insertion cannot be determined by the current assay. However, it is currently unclear if variants that occur in this region of the gene cause disease. This variant is not present in population databases (gnomAD no frequency). This variant has not been reported in the literature in individuals affected with OFD1-related conditions. Retrotransposon insertions including LINE1 (L1), Alu, and SVA (SINE-VNTR-Alu) have been reported to disrupt protein function (PMID: 19763152, 20307669, 22406018). However the effect of this particular variant is unknown. In summary, the available evidence is currently insufficient to determine the role of this variant in disease. Therefore, it has been classified as a Variant of Uncertain Significance.

Literature cited by the submitters: PubMed 19763152; PubMed 20307669; PubMed 22406018.